The following is an entry in ClinVar:

ClinVar aggregate classification (germline): Likely benign. Review status: criteria provided, multiple submitters, no conflicts (2 of 4 stars). 3 submissions from 3 submitters: Likely benign (3). Last evaluated 2026-01-18.

Conditions:
IMPDH1-related disorder. Also called: IMPDH1-related disorders; IMPDH1-related condition.

Allele frequency attached by ClinVar (database versions not stated): gnomAD 0.00003; TOPMed 0.00004; ExAC 0.00005.
gnomAD v4.1: 30 of 1,611,276 alleles (0.0019%); highest among the groups gnomAD compares: Admixed American, 0.02%; no homozygotes.

Submissions (3):

Labcorp Genetics (formerly Invitae), Labcorp
Classification: Likely benign. Last evaluated: 2026-01-18. Review status: criteria provided, single submitter. Criteria: Invitae Variant Classification Sherloc (09022015). Collection method: clinical testing. Allele origin: germline.

PreventionGenetics, part of Exact Sciences
Classification: Likely benign for IMPDH1-related condition. Last evaluated: 2024-10-13. Review status: criteria provided, single submitter. Criteria: ACMG Guidelines, 2015. Collection method: clinical testing. Allele origin: germline.
Comment: This variant is classified as likely benign based on ACMG/AMP sequence variant interpretation guidelines (Richards et al. 2015 PMID: 25741868, with internal and published modifications).

Blueprint Genetics
Classification: Likely benign. Last evaluated: 2023-10-18. Review status: criteria provided, single submitter. Criteria: ACMG Guidelines, 2015. Collection method: clinical testing. Allele origin: germline.

NM_000883.4(IMPDH1):c.580-4G>A

Gene: IMPDH1 (inosine monophosphate dehydrogenase 1; minus strand). Cytogenetic location: 7q32.1.
Variant type: single nucleotide variant.
Coding change: c.580-4G>A on transcript NM_000883.4 (MANE Select); 4 bases into the intron before coding-DNA position 580, G replaced by A.
Molecular consequence: intron variant.
Genome position (GRCh38, 1-based): chr7:128,400,543, C>T on the plus strand (G>A on the coding strand, the complement: IMPDH1 is on the minus strand). VCF-style: chr7-128400543-C-T. GRCh37 (hg19) VCF-style: chr7-128040597-C-T.
Other names: c.373-4G>A (NM_001304521.2); c.472-4G>A (NM_183243.3); c.550-4G>A (NM_001102605.2); c.481-4G>A (NM_001142576.2); c.250-4G>A (NM_001142575.2); c.310-4G>A (NM_001142574.2); c.325-4G>A (NM_001142573.2); c.580-4G>A (NM_000883.3).
Identifiers: ClinVar variation 1629421 (VCV001629421.10), dbSNP rs754409821, ClinGen allele CA4471098.